The following is an entry in ClinVar:

NM_001142864.4(PIEZO1):c.6412T>G (p.Cys2138Gly)

Gene: PIEZO1 (piezo type mechanosensitive ion channel component 1 (Er blood group); minus strand). Cytogenetic location: 16q24.3.
Variant type: single nucleotide variant.
Coding change: c.6412T>G on transcript NM_001142864.4 (MANE Select); coding-DNA position 6412, T replaced by G.
Protein change: p.Cys2138Gly; replaces cysteine 2138 with glycine.
Molecular consequence: missense variant.
Genome position (GRCh38, 1-based): chr16:88,719,633, A>C on the plus strand (T>G on the coding strand, the complement: PIEZO1 is on the minus strand). VCF-style: chr16-88719633-A-C. GRCh37 (hg19) VCF-style: chr16-88786041-A-C.
Other names: c.4954T>G, p.Cys1652Gly (NM_014745.1); c.6412T>G (NM_001142864.3); short protein forms C1652G, C2138G.
Identifiers: ClinVar variation 2671765 (VCV002671765.5), dbSNP rs1405745916, ClinGen allele CA397082969.

ClinVar aggregate classification (germline): Conflicting classifications of pathogenicity. Review status: criteria provided, conflicting classifications (1 of 4 stars). 4 submissions from 4 submitters: Uncertain significance (3); Benign (1). Last evaluated 2025-05-02.

Conditions:
PIEZO1-related disorder. Also called: PIEZO1-related condition; PIEZO1-Related Disorders.
Dehydrated hereditary stomatocytosis with or without pseudohyperkalemia and/or perinatal edema (DHS1). Also called: Dehydrated hereditary stomatocytosis 1 with or without pseudohyperkalemia and/or perinatal edema; PSEUDOHYPERKALEMIA EDINBURGH; DEHYDRATED HEREDITARY STOMATOCYTOSIS AND PSEUDOHYPERKALEMIA; DEHYDRATED HEREDITARY STOMATOCYTOSIS WITH PSEUDOHYPERKALEMIA AND PERINATAL EDEMA; Pseudohyperkalemia, familial, 1, due to red cell leak. Identifiers: Orphanet 3202, MedGen C4551512, MONDO:0008689, OMIM 194380.

Allele frequency attached by ClinVar (database versions not stated): gnomAD 0.00001; gnomAD exomes 0.00001.

Submissions (4):

PreventionGenetics, part of Exact Sciences
Classification: Uncertain significance for PIEZO1-related condition. Last evaluated: 2025-05-02. Review status: criteria provided, single submitter. Criteria: ACMG Guidelines, 2015. Collection method: clinical testing. Allele origin: germline.
Comment: The PIEZO1 c.6412T>G variant is predicted to result in the amino acid substitution p.Cys2138Gly. To our knowledge, this variant has not been reported in the literature. This variant is reported in 0.0077% of alleles in individuals of Latino descent in gnomAD. At this time, the clinical significance of this variant is uncertain due to the absence of conclusive functional and genetic evidence.

Revvity Omics, Revvity
Classification: Uncertain significance. Last evaluated: 2024-08-07. Review status: criteria provided, single submitter. Criteria: ACMG Guidelines, 2015. Collection method: clinical testing. Allele origin: germline.

Labcorp Genetics (formerly Invitae), Labcorp
Classification: Benign. Last evaluated: 2024-06-05. Review status: criteria provided, single submitter. Criteria: Invitae Variant Classification Sherloc (09022015). Collection method: clinical testing. Allele origin: germline.

Neuberg Centre For Genomic Medicine, NCGM
Classification: Uncertain significance for Dehydrated hereditary stomatocytosis with or without pseudohyperkalemia and/or perinatal edema. Last evaluated: 2023-02-14. Review status: criteria provided, single submitter. Criteria: ACMG Guidelines, 2015. Collection method: clinical testing. Allele origin: germline. Inheritance: Autosomal dominant inheritance. Affected: yes.